The following is an entry in ClinVar:

NM_017950.4(CCDC40):c.931C>A (p.Gln311Lys)

Gene: CCDC40 (coiled-coil domain 40 molecular ruler complex subunit; plus strand). Cytogenetic location: 17q25.3.
Variant type: single nucleotide variant.
Coding change: c.931C>A on transcript NM_017950.4 (MANE Select); coding-DNA position 931, C replaced by A.
Protein change: p.Gln311Lys; replaces glutamine 311 with lysine.
Molecular consequence: missense variant.
Genome position (GRCh38, 1-based): chr17:80,049,981, C>A. VCF-style: chr17-80049981-C-A. GRCh37 (hg19) VCF-style: chr17-78023780-C-A.
Other names: c.931C>A, p.Gln311Lys (NM_001243342.2, NM_001330508.2); short protein forms Q311K.
Identifiers: ClinVar variation 454894 (VCV000454894.9), dbSNP rs1555891851, ClinGen allele CA401354897.

ClinVar aggregate classification (germline): Uncertain significance (1 of 4 stars; one submission).

Conditions:
Primary ciliary dyskinesia. Also called: Ciliary dyskinesia. Identifiers: Orphanet 244, MedGen C0008780, MONDO:0016575, HP:0012265.

Allele frequency attached by ClinVar (database versions not stated): TOPMed below 0.00001.

Submission:

Labcorp Genetics (formerly Invitae), Labcorp
Classification: Uncertain significance for Primary ciliary dyskinesia. Last evaluated: 2022-07-05. Review status: criteria provided, single submitter. Criteria: Invitae Variant Classification Sherloc (09022015). Collection method: clinical testing. Allele origin: germline.
Comment: In summary, the available evidence is currently insufficient to determine the role of this variant in disease. Therefore, it has been classified as a Variant of Uncertain Significance. Algorithms developed to predict the effect of missense changes on protein structure and function output the following: SIFT: "Tolerated"; PolyPhen-2: "Benign"; Align-GVGD: "Class C0". The lysine amino acid residue is found in multiple mammalian species, which suggests that this missense change does not adversely affect protein function. ClinVar contains an entry for this variant (Variation ID: 454894). This variant has not been reported in the literature in individuals affected with CCDC40-related conditions. This variant is not present in population databases (gnomAD no frequency). This sequence change replaces glutamine, which is neutral and polar, with lysine, which is basic and polar, at codon 311 of the CCDC40 protein (p.Gln311Lys).